The following is an entry in ClinVar:

NC_000016.9:g.(?_289853)_(626274_?)dup

Genes: ARHGDIG (Rho GDP dissociation inhibitor gamma; plus strand), AXIN1 (axin 1; minus strand), CAPN15 (calpain 15; plus strand), DECR2 (2,4-dienoyl-CoA reductase 2; plus strand), FAM234A (family with sequence similarity 234 member A; plus strand) and 9 more. Cytogenetic location: 16p13.3.
Variant type: Duplication.
Identifiers: ClinVar variation 2425034 (VCV002425034.3).

ClinVar aggregate classification (germline): Uncertain significance (1 of 4 stars; one submission).

Conditions:
Epilepsy. Also called: Seizure disorder. Identifiers: MedGen C0014544, MeSH D004827, MONDO:0005027.

Submission:

Labcorp Genetics (formerly Invitae), Labcorp
Classification: Uncertain significance for Epilepsy. Last evaluated: 2022-07-15. Review status: criteria provided, single submitter. Criteria: Invitae Variant Classification Sherloc (09022015). Collection method: clinical testing. Allele origin: germline.
Comment: In summary, the available evidence is currently insufficient to determine the role of this variant in disease. Therefore, it has been classified as a Variant of Uncertain Significance. This variant has not been reported in the literature in individuals affected with PIGQ-related conditions. This variant results in a copy number gain of the genomic region encompassing exon(s) 1-4 of the PIGQ gene. This region includes the initiator codon of the gene. This copy number gain extends beyond the assayed region for this gene and therefore may encompass additional genes. As the precise location of this event is unknown, it may be in tandem or it may be located elsewhere in the genome.